The following is an entry in ClinVar:

NM_001005242.3(PKP2):c.1485T>C (p.Pro495=)

Gene: PKP2 (plakophilin 2; minus strand). Cytogenetic location: 12p11.21.
Variant type: single nucleotide variant.
Coding change: c.1485T>C on transcript NM_001005242.3 (MANE Select); coding-DNA position 1485, T replaced by C.
Protein change: p.Pro495=; no amino-acid change (proline 495 retained).
Molecular consequence: synonymous variant.
Genome position (GRCh38, 1-based): chr12:32,841,099, A>G on the plus strand (T>C on the coding strand, the complement: PKP2 is on the minus strand). VCF-style: chr12-32841099-A-G. GRCh37 (hg19) VCF-style: chr12-32994033-A-G.
Other names: c.1617T>C, p.Pro539= (NM_004572.4).
Identifiers: ClinVar variation 668184 (VCV000668184.15), dbSNP rs879043258, ClinGen allele CA235249106.
Genomic context (GRCh38, chr12:32,841,099, plus strand): 5'-AGTGACGTTGTAGAATATGTCAAAATCGAGCAAACCATTTGCTTTTGGGTAGTCTCCTTC[A>G]GGCCACCCAGAAAAGGGGATGATGATATTCTCCGTCAGCGTAAGCAATGCTTCTGTTATC-3'
Protein context (NP_001005242.2, residues 485-505): ENIIIPFSGW[Pro495=]EGDYPKANGL

ClinVar aggregate classification (germline): Likely benign. Review status: criteria provided, multiple submitters, no conflicts (2 of 4 stars). 6 submissions from 6 submitters: Likely benign (6). Last evaluated 2026-05-12.

Conditions:
Cardiovascular phenotype. Identifiers: MedGen CN230736.
Cardiomyopathy (CMYO). Also called: Cardiomyopathies. Identifiers: Orphanet 167848, MedGen C0878544, MONDO:0004994, HP:0001638. Inheritance: Various modes of inheritance.
Arrhythmogenic right ventricular dysplasia 9 (ARVD9). Also called: Arrhythmogenic Right Ventricular Dysplasia/Cardiomyopathy 9; ARRHYTHMOGENIC RIGHT VENTRICULAR DYSPLASIA, FAMILIAL, 9. Identifiers: MedGen C1836906, MONDO:0012180, OMIM 609040.
PKP2-related disorder. Also called: PKP2-related condition.
Arrhythmogenic right ventricular cardiomyopathy (ARVD). Also called: Arrhythmogenic Right Ventricular Cardiomyopathy (ARVC); Arrhythmogenic right ventricular dysplasia; Arrhythmogenic cardiomyopathy; Cardiomyopathy, ARVC. Identifiers: Orphanet 247, MedGen C0349788, MeSH D019571, MONDO:0016587. Disease mechanism: loss of function. Inheritance: Various modes of inheritance.

Allele frequency attached by ClinVar (database versions not stated): gnomAD exomes below 0.00001 and 0.00004; TOPMed 0.00001.
gnomAD v4.1: 66 of 1,613,920 alleles (0.0041%); highest among the groups gnomAD compares: Non-Finnish European, 0.0053%; no homozygotes.

Submissions (6):

PreventionGenetics, part of Exact Sciences
Classification: Likely benign for PKP2-related condition. Last evaluated: 2026-05-12. Review status: criteria provided, single submitter. Criteria: ACMG Guidelines, 2015. Collection method: clinical testing. Allele origin: germline.
Comment: This variant is classified as likely benign based on ACMG/AMP sequence variant interpretation guidelines (Richards et al. 2015 PMID: 25741868, with internal and published modifications).

Labcorp Genetics (formerly Invitae), Labcorp
Classification: Likely benign for Arrhythmogenic right ventricular dysplasia 9. Last evaluated: 2025-08-28. Review status: criteria provided, single submitter. Criteria: Invitae Variant Classification Sherloc (09022015). Collection method: clinical testing. Allele origin: germline.

All of Us Research Program, National Institutes of Health
Classification: Likely benign for Arrhythmogenic right ventricular cardiomyopathy. Last evaluated: 2024-06-11. Review status: criteria provided, single submitter. Criteria: ACMG Guidelines, 2015. Collection method: clinical testing. Allele origin: germline. Inheritance: Autosomal dominant inheritance. Observed: 7 variant alleles, 7 heterozygotes.
Comment: This study involves interpretation of variants in research participants for the purpose of population health screening. Participant phenotype was not available at the time of variant classification. Additional details can be found in publication PMID: 35346344, PMCID: PMC8962531

Color Diagnostics, LLC DBA Color Health
Classification: Likely benign for Cardiomyopathy. Last evaluated: 2020-10-13. Review status: criteria provided, single submitter. Criteria: ACMG Guidelines, 2015. Collection method: clinical testing. Allele origin: germline.

Ambry Genetics
Classification: Likely benign for Cardiovascular phenotype. Last evaluated: 2019-08-19. Review status: criteria provided, single submitter. Criteria: Ambry Variant Classification Scheme 2023. Collection method: clinical testing. Allele origin: germline.

GeneDx
Classification: Likely benign. Last evaluated: 2018-05-04. Review status: criteria provided, single submitter. Criteria: GeneDx Variant Classification (06012015). Collection method: clinical testing. Allele origin: germline. Affected: yes.
Comment: This variant is considered likely benign or benign based on one or more of the following criteria: it is a conservative change, it occurs at a poorly conserved position in the protein, it is predicted to be benign by multiple in silico algorithms, and/or has population frequency not consistent with disease.